The following is an entry in ClinVar:

ClinVar aggregate classification (germline): Benign. Review status: criteria provided, single submitter (1 of 4 stars). 2 submissions from 2 submitters: Benign (1). 1 of the submissions does not count toward it. Last evaluated 2018-11-20.

Conditions:
IQCE-related disorder. Also called: IQCE-related condition.

Allele frequency attached by ClinVar (database versions not stated): ESP Exome Variant Server 0.00736; 1000 Genomes Project 0.00919; TOPMed 0.00921; 1000 Genomes Project 30x 0.00984.
gnomAD v4.1: 2,352 of 1,612,518 alleles (0.15%); highest among the groups gnomAD compares: African/African-American, 2.6%; 33 homozygotes.

Submissions (2):

Labcorp Genetics (formerly Invitae), Labcorp
Classification: Benign. Last evaluated: 2018-11-20. Review status: criteria provided, single submitter. Criteria: Invitae Variant Classification Sherloc (09022015). Collection method: clinical testing. Allele origin: germline.

PreventionGenetics, part of Exact Sciences
Classification: Benign for IQCE-related condition. Last evaluated: 2019-07-15. Review status: no assertion criteria provided. Collection method: clinical testing. Allele origin: germline. Not counted in ClinVar's aggregate classification.
Comment: This variant is classified as benign based on ACMG/AMP sequence variant interpretation guidelines (Richards et al. 2015 PMID: 25741868, with internal and published modifications).

NM_152558.5(IQCE):c.1913C>G (p.Ser638Trp)

Gene: IQCE (IQ motif containing E; plus strand). Cytogenetic location: 7p22.3.
Variant type: single nucleotide variant.
Coding change: c.1913C>G on transcript NM_152558.5 (MANE Select); coding-DNA position 1913, C replaced by G.
Protein change: p.Ser638Trp; replaces serine 638 with tryptophan.
Molecular consequence: missense variant.
Genome position (GRCh38, 1-based): chr7:2,607,171, C>G. VCF-style: chr7-2607171-C-G. GRCh37 (hg19) VCF-style: chr7-2646805-C-G.
Other names: c.1913C>G, p.Ser638Trp (NM_001287499.2); c.1865C>G, p.Ser622Trp (NM_001287500.2); c.1718C>G, p.Ser573Trp (NM_001287501.2, NM_001287502.2); short protein forms S622W, S638W, S573W.
Identifiers: ClinVar variation 711980 (VCV000711980.5), dbSNP rs78049930, ClinGen allele CA4129553.
Genomic context (GRCh38, chr7:2,607,171, plus strand): 5'-TGTTTTTTTCCAGTGCTACCGGTAAAAGAACCACCACCGCAGCTTCTACCAGGAGGAGAT[C>G]GGCTTCAGCCACACACGGGGACGCCTCCTCCCCACCCTTCCTCGCAGCTCTTCCTGGTAA-3'
Protein context (NP_689771.3, residues 628-648): TTTAASTRRR[Ser638Trp]ASATHGDASS